The following is an entry in ClinVar:

ClinVar aggregate classification (germline): Uncertain significance. Review status: criteria provided, multiple submitters, no conflicts (2 of 4 stars). 5 submissions from 5 submitters: Uncertain significance (5). Last evaluated 2026-03-10.

Conditions:
TUB-related disorder. Also called: TUB-related condition.

Allele frequency attached by ClinVar (database versions not stated): 1000 Genomes Project 30x 0.00016; 1000 Genomes Project 0.00020; gnomAD 0.00009.
gnomAD v4.1: 200 of 1,614,138 alleles (0.012%); highest among the groups gnomAD compares: Non-Finnish European, 0.016%; 1 homozygote.

Submissions (5):

PreventionGenetics, part of Exact Sciences
Classification: Uncertain significance for TUB-related condition. Last evaluated: 2026-03-10. Review status: criteria provided, single submitter. Criteria: ACMG Guidelines, 2015. Collection method: clinical testing. Allele origin: germline.
Comment: The TUB c.938C>T variant is predicted to result in the amino acid substitution p.Pro313Leu. To our knowledge, this variant has not been reported in the literature. This variant is reported in 0.0085% of alleles in individuals of European (Non-Finnish) descent in gnomAD. At this time, the clinical significance of this variant is uncertain due to the absence of conclusive functional and genetic evidence.

Blueprint Genetics
Classification: Uncertain significance. Last evaluated: 2024-11-13. Review status: criteria provided, single submitter. Criteria: ACMG Guidelines, 2015. Collection method: clinical testing. Allele origin: germline.

Ambry Genetics
Classification: Uncertain significance. Last evaluated: 2024-06-28. Review status: criteria provided, single submitter. Criteria: Ambry Variant Classification Scheme 2023. Collection method: clinical testing. Allele origin: germline.

Labcorp Genetics (formerly Invitae), Labcorp
Classification: Uncertain significance. Last evaluated: 2022-10-24. Review status: criteria provided, single submitter. Criteria: Invitae Variant Classification Sherloc (09022015). Collection method: clinical testing. Allele origin: germline.
Comment: This sequence change replaces proline, which is neutral and non-polar, with leucine, which is neutral and non-polar, at codon 313 of the TUB protein (p.Pro313Leu). This variant is present in population databases (rs565455543, gnomAD 0.009%). This variant has not been reported in the literature in individuals affected with TUB-related conditions. ClinVar contains an entry for this variant (Variation ID: 1055303). Algorithms developed to predict the effect of missense changes on protein structure and function (SIFT, PolyPhen-2, Align-GVGD) all suggest that this variant is likely to be disruptive. In summary, the available evidence is currently insufficient to determine the role of this variant in disease. Therefore, it has been classified as a Variant of Uncertain Significance.

Breakthrough Genomics
Classification: Uncertain significance. Review status: criteria provided, single submitter. Criteria: ACMG Guidelines, 2015. Collection method: not provided. Allele origin: germline. Inheritance: Autosomal recessive inheritance. Affected: yes.

NM_177972.3(TUB):c.773C>T (p.Pro258Leu)

Genes: TUB (TUB bipartite transcription factor; plus strand), RIC3 (RIC3 acetylcholine receptor chaperone; minus strand). Cytogenetic location: 11p15.4.
Variant type: single nucleotide variant.
Coding change: c.773C>T on transcript NM_177972.3 (MANE Select); coding-DNA position 773, C replaced by T.
Protein change: p.Pro258Leu; replaces proline 258 with leucine.
Molecular consequence: missense variant.
Genome position (GRCh38, 1-based): chr11:8,097,313, C>T. VCF-style: chr11-8097313-C-T. GRCh37 (hg19) VCF-style: chr11-8118860-C-T.
Other names: c.938C>T, p.Pro313Leu (NM_003320.5); c.938C>T (NM_003320.4); short protein forms P258L, P313L.
Identifiers: ClinVar variation 1055303 (VCV001055303.12), dbSNP rs565455543, ClinGen allele CA5871228.